The following continues an entry in ClinVar:

NM_000051.4(ATM):c.7475T>G (p.Leu2492Arg)

ClinVar aggregate classification (germline): Conflicting classifications of pathogenicity. Likely pathogenic (1); Uncertain significance (21); Benign (1); Likely benign (5).

Submissions 25 to 32 of 32:

GeneKor MSA
Classification: Uncertain significance for Hereditary cancer-predisposing syndrome. Last evaluated: 2018-08-01. Review status: criteria provided, single submitter. Criteria: ACMG Guidelines, 2015. Collection method: clinical testing. Allele origin: germline. Affected: yes.

Institute for Biomarker Research, Medical Diagnostic Laboratories, L.L.C.
Classification: Uncertain significance for Hereditary cancer-predisposing syndrome. Last evaluated: 2017-07-12. Review status: criteria provided, single submitter. Criteria: ACMG Guidelines, 2015. Collection method: clinical testing. Allele origin: germline.

Clinical Genetics DNA and cytogenetics Diagnostics Lab, Erasmus MC, Erasmus Medical Center
Classification: Uncertain significance for Ataxia-telangiectasia syndrome. Last evaluated: 2017-05-31. Review status: criteria provided, single submitter. Criteria: ACGS Guidelines, 2013. Collection method: clinical testing. Allele origin: germline. Affected: yes. Study: VKGL Data-share Consensus.

Eurofins Ntd Llc (ga)
Classification: Uncertain significance. Last evaluated: 2017-02-21. Review status: criteria provided, single submitter. Criteria: EGL Classification Definitions 2015. Collection method: clinical testing. Allele origin: germline. Observed: 1 variant allele, 1 heterozygote.

Counsyl
Classification: Uncertain significance for Ataxia-telangiectasia syndrome. Last evaluated: 2018-05-24. Review status: no assertion criteria provided. Collection method: clinical testing. Allele origin: unknown. Not counted in ClinVar's aggregate classification.

Diagnostic Laboratory, Department of Genetics, University Medical Center Groningen
Classification: Uncertain significance for Ataxia-telangiectasia syndrome. Review status: no assertion criteria provided. Collection method: clinical testing. Allele origin: germline. Affected: yes. Study: VKGL Data-share Consensus. Not counted in ClinVar's aggregate classification.

Genome Diagnostics Laboratory, Amsterdam University Medical Center
Classification: Uncertain significance. Review status: no assertion criteria provided. Collection method: clinical testing. Allele origin: germline. Affected: yes. Study: VKGL Data-share Consensus. Not counted in ClinVar's aggregate classification.

Joint Genome Diagnostic Labs from Nijmegen and Maastricht, Radboudumc and MUMC+
Classification: Uncertain significance. Review status: no assertion criteria provided. Collection method: clinical testing. Allele origin: germline. Affected: yes. Study: VKGL Data-share Consensus. Not counted in ClinVar's aggregate classification.

Literature cited by the submitters: PubMed 28135145 (cited by 4 submitters); PubMed 32606146 (cited by 5 submitters); PubMed 30306255 (cited by 6 submitters); PubMed 17344846 (cited by 4 submitters); PubMed 25980754 (cited by 4 submitters); PubMed 20305132 (cited by 4 submitters); PubMed 26689913 (cited by 5 submitters); PubMed 26787654 (cited by 5 submitters); PubMed 28652578 (cited by 6 submitters); PubMed 31159747 (cited by 5 submitters); PubMed 34284872 (cited by 3 submitters); PubMed 35886069 (cited by 4 submitters); PubMed 30441849 (cited by 3 submitters); PubMed 31920950 (cited by 3 submitters); PubMed 33471991 (cited by 3 submitters); PubMed 28779002 (cited by Athena Diagnostics and Quest Diagnostics Nichols Institute San Juan Capistrano); PubMed 26206375 (cited by Counsyl).